The following is an entry in ClinVar:

NM_001111125.3(IQSEC2):c.2983C>T (p.Arg995Trp)

Gene: IQSEC2 (IQ motif and Sec7 domain ArfGEF 2; minus strand). Cytogenetic location: Xp11.22.
Variant type: single nucleotide variant.
Coding change: c.2983C>T on transcript NM_001111125.3 (MANE Select); coding-DNA position 2983, C replaced by T.
Protein change: p.Arg995Trp; replaces arginine 995 with tryptophan.
Molecular consequence: missense variant.
Genome position (GRCh38, 1-based): chrX:53,241,816, G>A on the plus strand (C>T on the coding strand, the complement: IQSEC2 is on the minus strand). VCF-style: chrX-53241816-G-A. GRCh37 (hg19) VCF-style: chrX-53270998-G-A.
Other names: c.2368C>T, p.Arg790Trp (NM_015075.2); short protein forms R995W, R790W.
Identifiers: ClinVar variation 383534 (VCV000383534.21), dbSNP rs1057521657, ClinGen allele CA501123.

ClinVar aggregate classification (germline): Pathogenic/Likely pathogenic. Review status: criteria provided, multiple submitters, no conflicts (2 of 4 stars). 5 submissions from 5 submitters: Pathogenic (2); Likely pathogenic (3). Last evaluated 2025-05-23.

Conditions:
IQSEC2-related disorder. Also called: IQSEC2-related condition.
Inborn genetic diseases. Identifiers: MedGen C0950123, MeSH D030342.
Intellectual developmental disorder, X-linked 1. Also called: Intellectual disability, X-linked 1; MENTAL RETARDATION, X-LINKED 18; MENTAL RETARDATION, X-LINKED 78; Atkin Flaitz Patil Smith syndrome. Identifiers: Orphanet 777, MedGen C2931498, MONDO:0010656, OMIM 309530.

Submissions (5):

Ambry Genetics
Classification: Pathogenic for Inborn genetic diseases. Last evaluated: 2025-05-23. Review status: criteria provided, single submitter. Criteria: Ambry Variant Classification Scheme 2023. Collection method: clinical testing. Allele origin: germline.
Comment: The c.2983C>T (p.R995W) alteration is located in exon 10 (coding exon 10) of the IQSEC2 gene. This alteration results from a C to T substitution at nucleotide position 2983, causing the arginine (R) at amino acid position 995 to be replaced by a tryptophan (W). This variant was not reported in population-based cohorts in the Genome Aggregation Database (gnomAD). This variant was reported in individuals with features consistent with IQSEC2-related neurodevelopmental disorder; in at least one individual, it was determined to be de novo (Ganapathy, 2019; Ren, 2024; Ambry internal data). Another variant at the same codon, c.2984G>A (p.R995Q), has also been identified in individuals with features consistent with IQSEC2-related neurodevelopmental disorder (Martin, 2021; Frisk, 2022). This amino acid position is highly conserved in available vertebrate species. This missense alteration is located in a region that has a low rate of benign missense variation (Lek, 2016; Firth, 2009). The in silico prediction for this alteration is inconclusive. Based on the available evidence, this alteration is classified as pathogenic.

Labcorp Genetics (formerly Invitae), Labcorp
Classification: Likely pathogenic for Intellectual developmental disorder, X-linked 1. Last evaluated: 2024-07-29. Review status: criteria provided, single submitter. Criteria: Invitae Variant Classification Sherloc (09022015). Collection method: clinical testing. Allele origin: germline.
Comment: This sequence change replaces arginine, which is basic and polar, with tryptophan, which is neutral and slightly polar, at codon 995 of the IQSEC2 protein (p.Arg995Trp). This variant is not present in population databases (gnomAD no frequency). This missense change has been observed in individual(s) with global developmental delay, hypotonia, and language regression (PMID: 29322350, 33057194). In at least one individual the variant was observed to be de novo. ClinVar contains an entry for this variant (Variation ID: 383534). Advanced modeling of protein sequence and biophysical properties (such as structural, functional, and spatial information, amino acid conservation, physicochemical variation, residue mobility, and thermodynamic stability) has been performed at Invitae for this missense variant, however the output from this modeling did not meet the statistical confidence thresholds required to predict the impact of this variant on IQSEC2 protein function. In summary, the currently available evidence indicates that the variant is pathogenic, but additional data are needed to prove that conclusively. Therefore, this variant has been classified as Likely Pathogenic.

GeneDx
Classification: Pathogenic. Last evaluated: 2022-06-14. Review status: criteria provided, single submitter. Criteria: GeneDx Variant Classification Process June 2021. Collection method: clinical testing. Allele origin: germline. Affected: yes.
Comment: In silico analysis supports that this missense variant has a deleterious effect on protein structure/function; Not observed at significant frequency in large population cohorts (gnomAD); This variant is associated with the following publications: (PMID: 20473311, 29322350, 35347702)

Blueprint Genetics
Classification: Likely pathogenic for IQSEC2-related disorders. Last evaluated: 2020-07-21. Review status: criteria provided, single submitter. Criteria: ACMG Guidelines, 2015. Collection method: clinical testing. Allele origin: germline. Affected: yes. Observed: 1 variant allele.

Juno Genomics, Hangzhou Juno Genomics, Inc
Classification: Likely pathogenic for Intellectual developmental disorder, X-linked 1. Review status: criteria provided, single submitter. Criteria: ACMG Guidelines, 2015. Collection method: clinical testing. Allele origin: germline. Affected: yes.
Comment: Absent from controls (or at extremely low frequency if recessive) in Genome Aggregation Database.;Multiple lines of computational evidence support a deleterious effect on the gene or gene product.;The prevalence of the variant in affected individuals is significantly increased compared to the prevalence in controls.;Assumed de novo, but without confirmation of paternity and maternity.;Patient's phenotype or family history is highly specific for a disease with a single genetic etiology.;Novel missense change at an amino acid residue where a different missense change determined to be pathogenic has been seen before.

Literature cited by the submitters: PubMed 31069529 (cited by Ambry Genetics); PubMed 33504798 (cited by Ambry Genetics); PubMed 35118825 (cited by Ambry Genetics); PubMed 38827181 (cited by Ambry Genetics); PubMed 29322350 (cited by Labcorp Genetics (formerly Invitae), Labcorp); PubMed 33057194 (cited by Labcorp Genetics (formerly Invitae), Labcorp).